The following is an entry in ClinVar:

NM_001384732.1(CPLANE1):c.8243C>G (p.Ala2748Gly)

Gene: CPLANE1 (ciliogenesis and planar polarity effector complex subunit 1; minus strand). Cytogenetic location: 5p13.2.
Variant type: single nucleotide variant.
Coding change: c.8243C>G on transcript NM_001384732.1 (MANE Select); coding-DNA position 8243, C replaced by G.
Protein change: p.Ala2748Gly; replaces alanine 2748 with glycine.
Molecular consequence: missense variant.
Genome position (GRCh38, 1-based): chr5:37,153,870, G>C on the plus strand (C>G on the coding strand, the complement: CPLANE1 is on the minus strand). VCF-style: chr5-37153870-G-C. GRCh37 (hg19) VCF-style: chr5-37153972-G-C.
Other names: c.8081C>G, p.Ala2694Gly (NM_023073.4); short protein forms A2694G, A2748G.
Identifiers: ClinVar variation 1469259 (VCV001469259.5), dbSNP rs2150621551, ClinGen allele CA359474011.
Genomic context (GRCh38, chr5:37,153,870, plus strand): 5'-ATTGCTAGCAACTGCTCGTCAATTTTCTGAAGCTTAGCACTGAGATGCTCTAGTTGGTGA[G>C]CTGCAGAGCTTGGTGCAGGGCAAGCTGCAGAGACACCTTGCAGCCGTTTCCACAATAGAT-3'
Protein context (NP_001371661.1, residues 2738-2758): SAACPAPSSA[Ala2748Gly]HQLEHLSAKL

ClinVar aggregate classification (germline): Uncertain significance (1 of 4 stars; one submission).

Submission:

Labcorp Genetics (formerly Invitae), Labcorp
Classification: Uncertain significance. Last evaluated: 2024-10-16. Review status: criteria provided, single submitter. Criteria: Invitae Variant Classification Sherloc (09022015). Collection method: clinical testing. Allele origin: germline.
Comment: This sequence change replaces alanine, which is neutral and non-polar, with glycine, which is neutral and non-polar, at codon 2694 of the CPLANE1 protein (p.Ala2694Gly). This variant is not present in population databases (gnomAD no frequency). This variant has not been reported in the literature in individuals affected with CPLANE1-related conditions. ClinVar contains an entry for this variant (Variation ID: 1469259). Invitae Evidence Modeling of protein sequence and biophysical properties (such as structural, functional, and spatial information, amino acid conservation, physicochemical variation, residue mobility, and thermodynamic stability) indicates that this missense variant is not expected to disrupt CPLANE1 protein function with a negative predictive value of 95%. In summary, the available evidence is currently insufficient to determine the role of this variant in disease. Therefore, it has been classified as a Variant of Uncertain Significance.